The following is an entry in ClinVar:

ClinVar aggregate classification (germline): Uncertain significance (1 of 4 stars; one submission).

Conditions:
Juvenile polyposis syndrome (JPS). Identifiers: Orphanet 2929, MedGen C0345893, MONDO:0017380, OMIM 174900.

Submission:

Labcorp Genetics (formerly Invitae), Labcorp
Classification: Uncertain significance for Juvenile polyposis syndrome. Last evaluated: 2021-10-06. Review status: criteria provided, single submitter. Criteria: Invitae Variant Classification Sherloc (09022015). Collection method: clinical testing. Allele origin: germline.
Comment: In summary, the available evidence is currently insufficient to determine the role of this variant in disease. Therefore, it has been classified as a Variant of Uncertain Significance. Algorithms developed to predict the effect of sequence changes on RNA splicing suggest that this variant may create or strengthen a splice site. Algorithms developed to predict the effect of missense changes on protein structure and function (SIFT, PolyPhen-2, Align-GVGD) all suggest that this variant is likely to be disruptive. This missense change has been observed in individual(s) with clinical features of SMAD4-related conditions (Invitae). This variant is not present in population databases (ExAC no frequency). This sequence change replaces glycine with arginine at codon 358 of the SMAD4 protein (p.Gly358Arg). The glycine residue is highly conserved and there is a moderate physicochemical difference between glycine and arginine.

NM_005359.6(SMAD4):c.1072G>A (p.Gly358Arg)

Gene: SMAD4 (SMAD family member 4; plus strand). Cytogenetic location: 18q21.2.
Variant type: single nucleotide variant.
Coding change: c.1072G>A on transcript NM_005359.6 (MANE Select); coding-DNA position 1072, G replaced by A.
Protein change: p.Gly358Arg; replaces glycine 358 with arginine.
Molecular consequence: missense variant.
Genome position (GRCh38, 1-based): chr18:51,065,539, G>A. VCF-style: chr18-51065539-G-A. GRCh37 (hg19) VCF-style: chr18-48591909-G-A.
Other names: short protein forms G358R.
Identifiers: ClinVar variation 837282 (VCV000837282.7), dbSNP rs121912576, ClinGen allele CA402464334.